The following is an entry in ClinVar:

ClinVar aggregate classification (germline): Pathogenic (1 of 4 stars; one submission).

Conditions:
Primary ciliary dyskinesia. Also called: Ciliary dyskinesia. Identifiers: Orphanet 244, MedGen C0008780, MONDO:0016575, HP:0012265.

Submission:

Labcorp Genetics (formerly Invitae), Labcorp
Classification: Pathogenic for Primary ciliary dyskinesia. Last evaluated: 2022-10-14. Review status: criteria provided, single submitter. Criteria: Invitae Variant Classification Sherloc (09022015). Collection method: clinical testing. Allele origin: germline.
Comment: For these reasons, this variant has been classified as Pathogenic. A similar copy number variant has been observed in individual(s) with primary ciliary dyskinesia (PMID: 19944405; Invitae). In at least one individual the data is consistent with being in trans (on the opposite chromosome) from a pathogenic variant. This variant is a gross deletion of the genomic region encompassing exon(s) 2-3 of the DNAAF1 gene. This variant would be expected to be in-frame, preserving the integrity of the reading frame.

Literature cited by the submitters: PubMed 19944405.

NC_000016.10:g.(?_84148987)_(84150362_?)del

Gene: DNAAF1 (dynein axonemal assembly factor 1; plus strand). Cytogenetic location: 16q24.1.
Variant type: Deletion.
Identifiers: ClinVar variation 663406 (VCV000663406.14).